The following is an entry in ClinVar:

NM_016111.4(TELO2):c.1726C>T (p.Arg576Cys)

Gene: TELO2 (telomere maintenance 2; plus strand). Cytogenetic location: 16p13.3.
Variant type: single nucleotide variant.
Coding change: c.1726C>T on transcript NM_016111.4 (MANE Select); coding-DNA position 1726, C replaced by T.
Protein change: p.Arg576Cys; replaces arginine 576 with cysteine.
Molecular consequence: missense variant.
Genome position (GRCh38, 1-based): chr16:1,502,717, C>T. VCF-style: chr16-1502717-C-T. GRCh37 (hg19) VCF-style: chr16-1552718-C-T.
Other names: c.1726C>T, p.Arg576Cys (NM_001351846.2); short protein forms R576C.
Identifiers: ClinVar variation 2180094 (VCV002180094.1), dbSNP rs143321563, ClinGen allele CA7812290.
Genomic context (GRCh38, chr16:1,502,717, plus strand): 5'-CTGGCCAAGGTGCTTCTGCATCTGGAGGAGAAGACCTGTGTGGTGGGATTTGCAGGGCTG[C>T]GCCAGAGAGCCCTGGTGGCCGTCACGGTCACAGACCCGGCCCCGGTGAGTTCCCGCACCC-3'
Protein context (NP_057195.2, residues 566-586): KTCVVGFAGL[Arg576Cys]QRALVAVTVT

ClinVar aggregate classification (germline): Uncertain significance (1 of 4 stars; one submission).

Allele frequency attached by ClinVar (database versions not stated): ExAC 0.00003; gnomAD exomes 0.00004; gnomAD 0.00005; TOPMed 0.00006; ESP Exome Variant Server 0.00008.

Submission:

Labcorp Genetics (formerly Invitae), Labcorp
Classification: Uncertain significance. Last evaluated: 2022-10-27. Review status: criteria provided, single submitter. Criteria: Invitae Variant Classification Sherloc (09022015). Collection method: clinical testing. Allele origin: germline.
Comment: This sequence change replaces arginine, which is basic and polar, with cysteine, which is neutral and slightly polar, at codon 576 of the TELO2 protein (p.Arg576Cys). This variant is present in population databases (rs143321563, gnomAD 0.007%). This variant has not been reported in the literature in individuals affected with TELO2-related conditions. Advanced modeling of protein sequence and biophysical properties (such as structural, functional, and spatial information, amino acid conservation, physicochemical variation, residue mobility, and thermodynamic stability) has been performed at Invitae for this missense variant, however the output from this modeling did not meet the statistical confidence thresholds required to predict the impact of this variant on TELO2 protein function. In summary, the available evidence is currently insufficient to determine the role of this variant in disease. Therefore, it has been classified as a Variant of Uncertain Significance.